The following is an entry in ClinVar:

ClinVar aggregate classification (germline): Uncertain significance (1 of 4 stars; one submission).

Conditions:
ALG3-congenital disorder of glycosylation. Also called: CARBOHYDRATE-DEFICIENT GLYCOPROTEIN SYNDROME, TYPE IV; CDGS, TYPE IV; ALG3-CDG; CONGENITAL DISORDER OF GLYCOSYLATION, TYPE Id; CDG Id. Identifiers: Orphanet 79321, MedGen C1832736, MONDO:0010998, OMIM 601110.

Allele frequency attached by ClinVar (database versions not stated): gnomAD exomes 0.00001; ExAC 0.00002.
gnomAD v4.1: 3 of 1,613,736 alleles (0.00019%); highest among the groups gnomAD compares: South Asian, 0.0022%; no homozygotes.

Submission:

Labcorp Genetics (formerly Invitae), Labcorp
Classification: Uncertain significance for ALG3-congenital disorder of glycosylation. Last evaluated: 2022-08-10. Review status: criteria provided, single submitter. Criteria: Invitae Variant Classification Sherloc (09022015). Collection method: clinical testing. Allele origin: germline.
Comment: This variant is present in population databases (rs773227426, gnomAD 0.007%). In summary, the available evidence is currently insufficient to determine the role of this variant in disease. Therefore, it has been classified as a Variant of Uncertain Significance. Algorithms developed to predict the effect of missense changes on protein structure and function are either unavailable or do not agree on the potential impact of this missense change (SIFT: "Deleterious"; PolyPhen-2: "Probably Damaging"; Align-GVGD: "Class C0"). ClinVar contains an entry for this variant (Variation ID: 1024844). This variant has not been reported in the literature in individuals affected with ALG3-related conditions. This sequence change replaces leucine, which is neutral and non-polar, with tryptophan, which is neutral and slightly polar, at codon 111 of the ALG3 protein (p.Leu111Trp).

NM_005787.6(ALG3):c.332T>G (p.Leu111Trp)

Gene: ALG3 (ALG3 alpha-1,3- mannosyltransferase; minus strand). Cytogenetic location: 3q27.1.
Variant type: single nucleotide variant.
Coding change: c.332T>G on transcript NM_005787.6 (MANE Select); coding-DNA position 332, T replaced by G.
Protein change: p.Leu111Trp; replaces leucine 111 with tryptophan.
Molecular consequence: missense variant. On other transcripts: non-coding transcript variant (2).
Genome position (GRCh38, 1-based): chr3:184,245,580, A>C on the plus strand (T>G on the coding strand, the complement: ALG3 is on the minus strand). VCF-style: chr3-184245580-A-C. GRCh37 (hg19) VCF-style: chr3-183963368-A-C.
Other names: c.188T>G, p.Leu63Trp (NM_001006941.2); short protein forms L111W, L63W.
Identifiers: ClinVar variation 1024844 (VCV001024844.5), dbSNP rs773227426, ClinGen allele CA2729571.